The following is an entry in ClinVar:

ClinVar aggregate classification (germline): Conflicting classifications of pathogenicity. Review status: criteria provided, conflicting classifications (1 of 4 stars). 10 submissions from 10 submitters: Uncertain significance (1); Benign (1); Likely benign (5). 3 of the submissions do not count toward it. Last evaluated 2026-03-11.

Conditions:
Breast-ovarian cancer, familial, susceptibility to, 1 (BROVCA1). Also called: BRCA1 Hereditary Breast and Ovarian Cancer; OVARIAN CANCER, SUSCEPTIBILITY TO. Identifiers: Orphanet 145, MedGen C2676676, MONDO:0011450, OMIM 604370. Disease mechanism: loss of function.
Hereditary breast ovarian cancer syndrome. Also called: Hereditary breast and/or ovarian cancer syndrome; Hereditary breast and ovarian cancer syndrome; Hereditary breast and ovarian cancer; Hereditary breast and ovarian cancer syndrome (HBOC); Breast and ovarian cancer; BRCA1- and BRCA2-Associated Hereditary Breast and Ovarian Cancer. Identifiers: Orphanet 145, MedGen C0677776, MeSH D061325, MONDO:0003582. Disease mechanism: loss of function.
Hereditary cancer-predisposing syndrome. Also called: Hereditary Cancer Syndrome; Neoplastic Syndromes, Hereditary; Hereditary neoplastic syndrome; Tumor predisposition. Identifiers: Orphanet 140162, MedGen C0027672, MeSH D009386, MONDO:0015356.

Allele frequency attached by ClinVar (database versions not stated): TOPMed 0.00004.
gnomAD v4.1: 33 of 1,603,478 alleles (0.0021%); highest among the groups gnomAD compares: Middle Eastern, 0.017%; no homozygotes.

Submissions (10):

Women's Health and Genetics/Laboratory Corporation of America, LabCorp
Classification: Likely benign. Last evaluated: 2026-03-11. Review status: criteria provided, single submitter. Criteria: LabCorp Variant Classification Summary - May 2015. Collection method: clinical testing. Allele origin: germline.
Comment: Variant summary: BRCA1 c.4185+10G>A alters a nucleotide located at a position not widely known to affect splicing. Consensus agreement among computation tools predict no significant impact on normal splicing. However, these predictions have yet to be confirmed by functional studies. The variant allele was found at a frequency of 1.3e-05 in 237410 control chromosomes. The available data on variant occurrences in the general population are insufficient to allow any conclusion about variant significance. c.4185+10G>A has been reported in the literature in patients from hereditary breast/ovarian cancer families who underwent clinical BRCA1 screening (Judkins_2005). These report(s) do not provide unequivocal conclusions about association of the variant with Hereditary Breast And Ovarian Cancer Syndrome. To our knowledge, no experimental evidence demonstrating an impact on protein function has been reported. The following publications have been ascertained in the context of this evaluation (PMID: 16267036, 34290354). ClinVar contains an entry for this variant (Variation ID: 96927). Based on the evidence outlined above, the variant was classified as likely benign.

Labcorp Genetics (formerly Invitae), Labcorp
Classification: Benign for Hereditary breast ovarian cancer syndrome. Last evaluated: 2026-02-03. Review status: criteria provided, single submitter. Criteria: Invitae Variant Classification Sherloc (09022015). Collection method: clinical testing. Allele origin: germline.

Blueprint Genetics
Classification: Likely benign. Last evaluated: 2023-10-16. Review status: criteria provided, single submitter. Criteria: ACMG Guidelines, 2015. Collection method: clinical testing. Allele origin: germline.

All of Us Research Program, National Institutes of Health
Classification: Likely benign for Breast-ovarian cancer, familial, susceptibility to, 1. Last evaluated: 2023-09-17. Review status: criteria provided, single submitter. Criteria: ACMG Guidelines, 2015. Collection method: clinical testing. Allele origin: germline. Inheritance: Autosomal dominant inheritance. Observed: 1 variant allele, 1 heterozygote.
Comment: This study involves interpretation of variants in research participants for the purpose of population health screening. Participant phenotype was not available at the time of variant classification. Additional details can be found in publication PMID: 35346344, PMCID: PMC8962531

Quest Diagnostics Nichols Institute San Juan Capistrano
Classification: Uncertain significance. Last evaluated: 2020-01-03. Review status: criteria provided, single submitter. Criteria: Quest Diagnostics criteria. Collection method: clinical testing. Allele origin: unknown.

GeneDx
Classification: Likely benign. Last evaluated: 2017-09-25. Review status: criteria provided, single submitter. Criteria: GeneDx Variant Classification (06012015). Collection method: clinical testing. Allele origin: germline. Affected: yes.
Comment: This variant is considered likely benign or benign based on one or more of the following criteria: it is a conservative change, it occurs at a poorly conserved position in the protein, it is predicted to be benign by multiple in silico algorithms, and/or has population frequency not consistent with disease.

Color Diagnostics, LLC DBA Color Health
Classification: Likely benign for Hereditary cancer-predisposing syndrome. Last evaluated: 2017-03-23. Review status: criteria provided, single submitter. Criteria: ACMG Guidelines, 2015. Collection method: clinical testing. Allele origin: germline.

Counsyl
Classification: Likely benign for Breast-ovarian cancer, familial, susceptibility to, 1. Last evaluated: 2017-01-18. Review status: no assertion criteria provided. Collection method: clinical testing. Allele origin: unknown. Not counted in ClinVar's aggregate classification.

Sharing Clinical Reports Project (SCRP)
Classification: Benign for Breast-ovarian cancer, familial 1. Last evaluated: 2011-09-16. Review status: no assertion criteria provided. Collection method: clinical testing. Allele origin: germline. Not counted in ClinVar's aggregate classification.

Breast Cancer Information Core (BIC) (BRCA1)
Classification: Uncertain significance for Breast-ovarian cancer, familial 1. Last evaluated: 2010-12-17. Review status: no assertion criteria provided. Collection method: clinical testing. Allele origin: germline. Affected: yes. Observed: 2 variant alleles. Not counted in ClinVar's aggregate classification.

Literature cited by the submitters: PubMed 16267036 (cited by Women's Health and Genetics/Laboratory Corporation of America, LabCorp and Counsyl); PubMed 34290354 (cited by Women's Health and Genetics/Laboratory Corporation of America, LabCorp); PubMed 26295337 (cited by Quest Diagnostics Nichols Institute San Juan Capistrano).

NM_007294.4(BRCA1):c.4185+10G>A

Gene: BRCA1 (BRCA1 DNA repair associated; minus strand). Cytogenetic location: 17q21.31.
Variant type: single nucleotide variant.
Coding change: c.4185+10G>A on transcript NM_007294.4 (MANE Select); 10 bases into the intron after coding-DNA position 4185, G replaced by A.
Molecular consequence: intron variant.
Genome position (GRCh38, 1-based): chr17:43,090,934, C>T on the plus strand (G>A on the coding strand, the complement: BRCA1 is on the minus strand). VCF-style: chr17-43090934-C-T. GRCh37 (hg19) VCF-style: chr17-41242951-C-T.
Other names: IVS12+10G>A; c.735+10G>A (NM_001408458.1, NM_001408469.1, NM_001408453.1 and 11 more transcripts); c.3297+10G>A (NM_001407967.1, NM_001407966.1); c.3804+10G>A (NM_001407959.1, NM_001407963.1, NM_001407960.1); c.3918+10G>A (NM_001407931.1, NM_001407932.1, NM_001407934.1 and 2 more transcripts); c.4041+10G>A (NM_001407747.1, NM_001407848.1, NM_001407839.1 and 20 more transcripts); c.3801+10G>A (NM_001407962.1); c.372+10G>A (NM_001408512.1); and 42 more.
Identifiers: ClinVar variation 96927 (VCV000096927.26), dbSNP rs80358104, ClinGen allele CA002679.
Genomic context (GRCh38, chr17:43,090,934, plus strand): 5'-GTGGGATACATACTACTGAATGCAAAGGACACCACACACACGCATGTGCACACACACACA[C>T]GCTTTTTACCTGAGTGGTTAAAATGTCACTCTGAGAGGATAGCCCTGAGCAGTCTTCAGA-3'